The following is an entry in ClinVar:

NM_006245.4(PPP2R5D):c.1772C>T (p.Ala591Val)

Genes: MEA1 (male-enhanced antigen 1; minus strand), PPP2R5D (protein phosphatase 2 regulatory subunit B'delta; plus strand). Cytogenetic location: 6p21.1.
Variant type: single nucleotide variant.
Coding change: c.1772C>T on transcript NM_006245.4 (MANE Select); coding-DNA position 1772, C replaced by T.
Protein change: p.Ala591Val; replaces alanine 591 with valine.
Molecular consequence: missense variant. On other transcripts: 3 prime UTR variant (1).
Genome position (GRCh38, 1-based): chr6:43,011,249, C>T. VCF-style: chr6-43011249-C-T. GRCh37 (hg19) VCF-style: chr6-42978987-C-T.
Other names: c.1772C>T (NM_006245.2); c.*1221G>A (NM_014623.4); c.1319C>T, p.Ala440Val (NM_001270476.2); c.1676C>T, p.Ala559Val (NM_180976.3); c.1454C>T, p.Ala485Val (NM_180977.3); short protein forms A485V, A591V, A440V, A559V.
Identifiers: ClinVar variation 2076931 (VCV002076931.7), dbSNP rs566067415, ClinGen allele CA3812168.

ClinVar aggregate classification (germline): Conflicting classifications of pathogenicity. Review status: criteria provided, conflicting classifications (1 of 4 stars). 3 submissions from 3 submitters: Uncertain significance (1); Likely benign (1). 1 of the submissions does not count toward it. Last evaluated 2025-07-08.

Conditions:
Inborn genetic diseases. Identifiers: MedGen C0950123, MeSH D030342.
PPP2R5D-related disorder. Also called: PPP2R5D-related condition.

Allele frequency attached by ClinVar (database versions not stated): gnomAD 0.00003; gnomAD exomes 0.00003; TOPMed 0.00004; ExAC 0.00005; 1000 Genomes Project 30x 0.00016; 1000 Genomes Project 0.00020.
gnomAD v4.1: 48 of 1,614,028 alleles (0.003%); highest among the groups gnomAD compares: South Asian, 0.015%; no homozygotes.

Submissions (3):

Labcorp Genetics (formerly Invitae), Labcorp
Classification: Uncertain significance. Last evaluated: 2025-07-08. Review status: criteria provided, single submitter. Criteria: Invitae Variant Classification Sherloc (09022015). Collection method: clinical testing. Allele origin: germline.
Comment: This sequence change replaces alanine, which is neutral and non-polar, with valine, which is neutral and non-polar, at codon 591 of the PPP2R5D protein (p.Ala591Val). This variant is present in population databases (rs566067415, gnomAD 0.02%). This variant has not been reported in the literature in individuals affected with PPP2R5D-related conditions. ClinVar contains an entry for this variant (Variation ID: 2076931). An algorithm developed to predict the effect of missense changes on protein structure and function (PolyPhen-2) suggests that this variant is likely to be tolerated. In summary, the available evidence is currently insufficient to determine the role of this variant in disease. Therefore, it has been classified as a Variant of Uncertain Significance.

Ambry Genetics
Classification: Likely benign for Inborn genetic diseases. Last evaluated: 2024-06-17. Review status: criteria provided, single submitter. Criteria: Ambry Variant Classification Scheme 2023. Collection method: clinical testing. Allele origin: germline.

PreventionGenetics, part of Exact Sciences
Classification: Likely benign for PPP2R5D-related condition. Last evaluated: 2023-04-24. Review status: no assertion criteria provided. Collection method: clinical testing. Allele origin: germline. Not counted in ClinVar's aggregate classification.
Comment: This variant is classified as likely benign based on ACMG/AMP sequence variant interpretation guidelines (Richards et al. 2015 PMID: 25741868, with internal and published modifications).